The following is an entry in ClinVar:

NM_139321.3(ATRN):c.3942+4A>G

Gene: ATRN (attractin; plus strand). Cytogenetic location: 20p13.
Variant type: single nucleotide variant.
Coding change: c.3942+4A>G on transcript NM_139321.3 (MANE Select); 4 bases into the intron after coding-DNA position 3942, A replaced by G.
Molecular consequence: intron variant.
Genome position (GRCh38, 1-based): chr20:3,634,393, A>G. VCF-style: chr20-3634393-A-G. GRCh37 (hg19) VCF-style: chr20-3615040-A-G.
Identifiers: ClinVar variation 4706995 (VCV004706995.1).

ClinVar aggregate classification (germline): Uncertain significance (1 of 4 stars; one submission).

gnomAD v4.1: 11 of 1,610,682 alleles (0.00068%); highest among the groups gnomAD compares: Admixed American, 0.018%; no homozygotes.

Submission:

Labcorp Genetics (formerly Invitae), Labcorp
Classification: Uncertain significance. Last evaluated: 2025-09-24. Review status: criteria provided, single submitter. Criteria: Invitae Variant Classification Sherloc (09022015). Collection method: clinical testing. Allele origin: germline.
Comment: This sequence change falls in intron 26 of the ATRN gene. It does not directly change the encoded amino acid sequence of the ATRN protein. It affects a nucleotide within the consensus splice site. This variant is present in population databases (rs768606486, gnomAD 0.03%). This variant has not been reported in the literature in individuals affected with ATRN-related conditions. Variants that disrupt the consensus splice site are a relatively common cause of aberrant splicing (PMID: 17576681, 9536098). Algorithms developed to predict the effect of sequence changes on RNA splicing suggest that this variant is not likely to affect RNA splicing. In summary, the available evidence is currently insufficient to determine the role of this variant in disease. Therefore, it has been classified as a Variant of Uncertain Significance.

Literature cited by the submitters: PubMed 17576681; PubMed 9536098.